The following is an entry in ClinVar:

NM_000390.4(CHM):c.497C>T (p.Ala166Val)

Gene: CHM (CHM Rab escort protein; minus strand). Cytogenetic location: Xq21.2.
Variant type: single nucleotide variant.
Coding change: c.497C>T on transcript NM_000390.4 (MANE Select); coding-DNA position 497, C replaced by T.
Protein change: p.Ala166Val; replaces alanine 166 with valine.
Molecular consequence: missense variant.
Genome position (GRCh38, 1-based): chrX:85,963,870, G>A on the plus strand (C>T on the coding strand, the complement: CHM is on the minus strand). VCF-style: chrX-85963870-G-A. GRCh37 (hg19) VCF-style: chrX-85218875-G-A.
Other names: c.53C>T, p.Ala18Val (NM_001320959.1, NM_001362517.1, NM_001362518.2 and 1 more transcripts); short protein forms A166V, A18V.
Identifiers: ClinVar variation 3605592 (VCV003605592.2).

ClinVar aggregate classification (germline): Uncertain significance (1 of 4 stars; one submission).

gnomAD v4.1: 7 of 1,208,420 alleles (0.00058%); highest among the groups gnomAD compares: South Asian, 0.0053%; no homozygotes.

Submission:

Labcorp Genetics (formerly Invitae), Labcorp
Classification: Uncertain significance. Last evaluated: 2025-06-20. Review status: criteria provided, single submitter. Criteria: Invitae Variant Classification Sherloc (09022015). Collection method: clinical testing. Allele origin: germline.
Comment: This sequence change replaces alanine, which is neutral and non-polar, with valine, which is neutral and non-polar, at codon 166 of the CHM protein (p.Ala166Val). The frequency data for this variant in the population databases is considered unreliable, as metrics indicate poor data quality at this position in the gnomAD database. This variant has not been reported in the literature in individuals affected with CHM-related conditions. ClinVar contains an entry for this variant (Variation ID: 3605592). An algorithm developed to predict the effect of missense changes on protein structure and function (PolyPhen-2) suggests that this variant is likely to be tolerated. In summary, the available evidence is currently insufficient to determine the role of this variant in disease. Therefore, it has been classified as a Variant of Uncertain Significance.